The following is an entry in ClinVar:

NM_001330260.2(SCN8A):c.4475T>C (p.Met1492Thr)

Gene: SCN8A (sodium voltage-gated channel alpha subunit 8; plus strand). Cytogenetic location: 12q13.13.
Variant type: single nucleotide variant.
Coding change: c.4475T>C on transcript NM_001330260.2 (MANE Select); coding-DNA position 4475, T replaced by C.
Protein change: p.Met1492Thr; replaces methionine 1492 with threonine.
Molecular consequence: missense variant.
Genome position (GRCh38, 1-based): chr12:51,790,453, T>C. VCF-style: chr12-51790453-T-C. GRCh37 (hg19) VCF-style: chr12-52184237-T-C.
Other names: c.4352T>C, p.Met1451Thr (NM_001177984.3, NM_001369788.1); c.4475T>C, p.Met1492Thr (NM_014191.4); short protein forms M1451T, M1492T.
Identifiers: ClinVar variation 1803068 (VCV001803068.4), dbSNP rs2540309079, ClinGen allele CA384909129.

ClinVar aggregate classification (germline): Conflicting classifications of pathogenicity. Review status: criteria provided, conflicting classifications (1 of 4 stars). 2 submissions from 2 submitters: Likely pathogenic (1); Uncertain significance (1). Last evaluated 2023-03-24.

Conditions:
Early-infantile DEE. Also called: Early infantile epileptic encephalopathy with suppression bursts; Early infantile epileptic encephalopathy; Ohtahara syndrome. Identifiers: Orphanet 1934, MedGen C0393706, MONDO:0800491.
Developmental and epileptic encephalopathy, 13 (DEE13). Also called: Early infantile epileptic encephalopathy 13; SCN8A-Related Epilepsy; Developmental and Epileptic Encephalopathy (SCN8A-DEE). Identifiers: Orphanet 442835, MedGen C3281191, MONDO:0013801, OMIM 614558.

Submissions (2):

Labcorp Genetics (formerly Invitae), Labcorp
Classification: Uncertain significance for Early-infantile DEE. Last evaluated: 2023-03-24. Review status: criteria provided, single submitter. Criteria: Invitae Variant Classification Sherloc (09022015). Collection method: clinical testing. Allele origin: germline.
Comment: This sequence change replaces methionine, which is neutral and non-polar, with threonine, which is neutral and polar, at codon 1492 of the SCN8A protein (p.Met1492Thr). This variant is not present in population databases (gnomAD no frequency). This missense change has been observed in individual(s) with clinical features of SCN8A-related conditions (Invitae). ClinVar contains an entry for this variant (Variation ID: 1803068). Advanced modeling of protein sequence and biophysical properties (such as structural, functional, and spatial information, amino acid conservation, physicochemical variation, residue mobility, and thermodynamic stability) performed at Invitae indicates that this missense variant is expected to disrupt SCN8A protein function. In summary, the available evidence is currently insufficient to determine the role of this variant in disease. Therefore, it has been classified as a Variant of Uncertain Significance.

Diagnostic Genetics, Severance Hospital, Yonsei University College of Medicine
Classification: Likely pathogenic for Developmental and epileptic encephalopathy, 13. Last evaluated: 2022-02-03. Review status: criteria provided, single submitter. Criteria: ACMG Guidelines, 2015. Collection method: clinical testing. Allele origin: de novo. Affected: yes.